The following is an entry in ClinVar:

ClinVar aggregate classification (germline): Pathogenic/Likely pathogenic. Review status: criteria provided, multiple submitters, no conflicts (2 of 4 stars). 5 submissions from 5 submitters: Pathogenic (1); Likely pathogenic (3). 1 of the submissions does not count toward it. Last evaluated 2026-03-24.

Conditions:
Lethal multiple pterygium syndrome (LMPS). Identifiers: Orphanet 33108, MedGen C1854678, MONDO:0009668, OMIM 253290.
Myasthenic syndrome, congenital, 1B, fast-channel. Also called: Fast-Channel Congenital Myasthenia Syndrome. Identifiers: Orphanet 590, MedGen C4225405, MONDO:0012156, OMIM 608930.
Slow-Channel Congenital Myasthenia Syndrome (CMS1A). Also called: Myasthenic Syndromes, Congenital, Slow Channel. Identifiers: Orphanet 590, MedGen C0751885.

Allele frequency attached by ClinVar (database versions not stated): gnomAD 0.00001; TOPMed 0.00001; gnomAD exomes 0.00002; ExAC 0.00004; ESP Exome Variant Server 0.00008.
gnomAD v4.1: 34 of 1,613,698 alleles (0.0021%); highest among the groups gnomAD compares: Non-Finnish European, 0.0027%; no homozygotes.

Submissions (5):

Women's Health and Genetics/Laboratory Corporation of America, LabCorp
Classification: Likely pathogenic for Slow-Channel Congenital Myasthenia Syndrome. Last evaluated: 2026-03-24. Review status: criteria provided, single submitter. Criteria: LabCorp Variant Classification Summary - May 2015. Collection method: clinical testing. Allele origin: germline.
Comment: Variant summary: CHRNA1 c.997C>T (p.Arg333Trp) results in a non-conservative amino acid change in the encoded protein sequence. Algorithms developed to predict the effect of missense changes on protein structure and function all suggest that this variant is likely to be disruptive. The variant allele was found at a frequency of 2.4e-05 in 250522 control chromosomes. c.997C>T has been observed in homozygous and compound heterozygous individuals affected with congenital myasthenic syndrome (e.g. Masuda_2008, Ozturk_2022, Internal data). These data indicate that the variant is likely to be associated with disease. At least one publication reports experimental evidence evaluating an impact on protein function, showing reduced cell surface expression and reduction in duration of channel-opening events at synaptic motor endplates compared to WT in vitro (e.g. Masuda_2008). The following publications have been ascertained in the context of this evaluation (PMID: 18806275, 36099689). ClinVar contains an entry for this variant (Variation ID: 29582). Based on the evidence outlined above, the variant was classified as likely pathogenic.

3billion
Classification: Likely pathogenic for Myasthenic syndrome, congenital, 1B, fast-channel. Last evaluated: 2024-08-08. Review status: criteria provided, single submitter. Criteria: ACMG Guidelines, 2015. Collection method: clinical testing. Allele origin: germline. Affected: yes.
Comment: The variant is observed at an extremely low frequency in the gnomAD v4.0.0 dataset (total allele frequency: 0.002%). Predicted Consequence/Location: Missense variant In silico tool predictions suggest damaging effect of the variant on gene or gene product [REVEL: 0.90 (>=0.6, sensitivity 0.68 and specificity 0.92); 3Cnet: 0.95 (>=0.6, sensitivity 0.72 and precision 0.9)]. The same nucleotide change resulting in the same amino acid change has been previously reported as pathogenic/likely pathogenic with strong evidence (ClinVar ID: VCV000029582 /PMID: 18806275). Therefore, this variant is classified as Likely pathogenic according to the recommendation of ACMG/AMP guideline.

Labcorp Genetics (formerly Invitae), Labcorp
Classification: Pathogenic for Lethal multiple pterygium syndrome. Last evaluated: 2023-12-21. Review status: criteria provided, single submitter. Criteria: Invitae Variant Classification Sherloc (09022015). Collection method: clinical testing. Allele origin: germline.
Comment: This sequence change replaces arginine, which is basic and polar, with tryptophan, which is neutral and slightly polar, at codon 333 of the CHRNA1 protein (p.Arg333Trp). This variant is present in population databases (rs374391312, gnomAD 0.005%). This missense change has been observed in individual(s) with clinical features of autosomal recessive congenital myasthenic syndrome (PMID: 18806275; Invitae). In at least one individual the data is consistent with being in trans (on the opposite chromosome) from a pathogenic variant. This variant is also known as c.937C>T (p.Arg313Trp). ClinVar contains an entry for this variant (Variation ID: 29582). Advanced modeling of protein sequence and biophysical properties (such as structural, functional, and spatial information, amino acid conservation, physicochemical variation, residue mobility, and thermodynamic stability) performed at Invitae indicates that this missense variant is expected to disrupt CHRNA1 protein function with a positive predictive value of 80%. Experimental studies have shown that this missense change affects CHRNA1 function (PMID: 18806275). For these reasons, this variant has been classified as Pathogenic.

GeneDx
Classification: Likely pathogenic. Last evaluated: 2022-06-14. Review status: criteria provided, single submitter. Criteria: GeneDx Variant Classification Process June 2021. Collection method: clinical testing. Allele origin: germline. Affected: yes.
Comment: Published functional studies indicate that HEK cells expressing R333W demonstrate mild fast-channel properties (Masuda et al., 2008); In silico analysis supports that this missense variant has a deleterious effect on protein structure/function; This variant is associated with the following publications: (PMID: 34426522, 29974128, 18806275)

OMIM
Classification: Pathogenic for MYASTHENIC SYNDROME, CONGENITAL, 1B, FAST-CHANNEL. Last evaluated: 2008-12-15. Review status: no assertion criteria provided. Collection method: literature only. Allele origin: germline. Not counted in ClinVar's aggregate classification.

Literature cited by the submitters: PubMed 36099689 (cited by Women's Health and Genetics/Laboratory Corporation of America, LabCorp); PubMed 18806275 (cited by 4 submitters).

NM_000079.4(CHRNA1):c.997C>T (p.Arg333Trp)

Gene: CHRNA1 (cholinergic receptor nicotinic alpha 1 subunit; minus strand). Cytogenetic location: 2q31.1.
Variant type: single nucleotide variant.
Coding change: c.997C>T on transcript NM_000079.4 (MANE Select); coding-DNA position 997, C replaced by T.
Protein change: p.Arg333Trp; replaces arginine 333 with tryptophan.
Molecular consequence: missense variant.
Genome position (GRCh38, 1-based): chr2:174,749,951, G>A on the plus strand (C>T on the coding strand, the complement: CHRNA1 is on the minus strand). VCF-style: chr2-174749951-G-A. GRCh37 (hg19) VCF-style: chr2-175614679-G-A.
Other names: R313W; c.1072C>T, p.Arg358Trp (NM_001039523.3); short protein forms R333W, R358W.
Identifiers: ClinVar variation 29582 (VCV000029582.11), dbSNP rs374391312, ClinGen allele CA1974412.